The following is an entry in ClinVar:

ClinVar aggregate classification (germline): Uncertain significance (1 of 4 stars; one submission).

Conditions:
Ziegler-Huang syndrome (ZHS). Also called: BONE MARROW FAILURE SYNDROME 8. Identifiers: MedGen C5882688, MONDO:0957595, OMIM 620501.

Submission:

Diagnostics Services (NGS), CSIR - Centre For Cellular And Molecular Biology
Classification: Uncertain significance for Ziegler-Huang syndrome. Last evaluated: 2025-09-04. Review status: criteria provided, single submitter. Criteria: ACMG Guidelines, 2015. Collection method: clinical testing. Allele origin: germline. Affected: yes. Observed: 1 variant allele, 1 homozygote.
Comment: The c.1070_1072del variant is not present in publicly available population databases like 1000 Genomes, EVS, gnomAD, Indian Exome Database or our internal database. This variant has neither been published in literature in individuals affected with SLC30A7-related conditions nor reported to the clinical databases like Human Genome Mutation Database (HGMD), ClinVar or OMIM in any affected individuals. In-silico pathogenicity prediction programs like MutationTaster2021, CADD, etc predicted this variant to be likely deleterious; however, these predictions were not confirmed by any published functional studies. This variant is present in a non-repeat region of the gene causing in-frame deletion of a single amino acid that changes the protein length.

NM_133496.5(SLC30A7):c.1067ATA[1] (p.Asn357del)

Gene: SLC30A7 (solute carrier family 30 member 7; plus strand). Cytogenetic location: 1p21.2.
Variant type: Microsatellite.
Coding change: c.1067ATA[1] on transcript NM_133496.5 (MANE Select); one copy of the 3-base unit ATA starting at c.1067; the reference has two copies in a row; one copy, 3 bases deleted; also written c.1070_1072del.
Protein change: p.Asn357del; deletes asparagine 357.
Genome position (GRCh38, 1-based): chr1:100,965,905-100,965,907, ATA deleted; deleting any 3 consecutive bases within chr1:100,965,902-100,965,907 gives the same sequence; the position shown is the placement nearest the transcript's 3' end. VCF-style (leftmost placement, unchanged base first): chr1-100965901-CATA-C. GRCh37 (hg19) VCF-style: chr1-101431457-CATA-C.
Other names: c.1070_1072del (NM_133496.5); c.1067ATA[1], p.Asn357del (NM_001144884.2); short protein forms N357del.
Identifiers: ClinVar variation 4279629 (VCV004279629.1).
Genomic context (GRCh38, chr1:100,965,901, plus strand): 5'-GGGACCTTGAAATTAATAGTAGCACCTGATGCTGATGCTAGGTGGATTTTAAGCCAAACA[CATA>C]ATATTTTTACTCAGGTATGTCTTTTTTACTAACTTCTTTTAAGGGCCTTAACATTTTTTA-3'